The following is an entry in ClinVar:

NM_182641.4(BPTF):c.3739T>G (p.Ser1247Ala)

Gene: BPTF (bromodomain PHD finger transcription factor; plus strand). Cytogenetic location: 17q24.2.
Variant type: single nucleotide variant.
Coding change: c.3739T>G on transcript NM_182641.4 (MANE Select); coding-DNA position 3739, T replaced by G.
Protein change: p.Ser1247Ala; replaces serine 1247 with alanine.
Molecular consequence: missense variant.
Genome position (GRCh38, 1-based): chr17:67,911,623, T>G. VCF-style: chr17-67911623-T-G. GRCh37 (hg19) VCF-style: chr17-65907739-T-G.
Other names: c.3739T>G (NM_182641.3); c.4117T>G, p.Ser1373Ala (NM_004459.7); short protein forms S1247A, S1373A.
Identifiers: ClinVar variation 3369208 (VCV003369208.2).
Genomic context (GRCh38, chr17:67,911,623, plus strand): 5'-GGTACTTTGATCTGTAAGAACAAAAAACCGCTCATACAGGAGGAAAGTGACACCATTGTT[T>G]CTTCTTCCAAGAGTGCTTTACATTCATCAGTGCCTAAAAGTACCAATGACAGAGATGCCA-3'
Protein context (NP_872579.2, residues 1237-1257): LIQEESDTIV[Ser1247Ala]SSKSALHSSV

ClinVar aggregate classification (germline): Uncertain significance. Review status: criteria provided, multiple submitters, no conflicts (2 of 4 stars). 2 submissions from 2 submitters: Uncertain significance (2). Last evaluated 2025-10-07.

Conditions:
Inborn genetic diseases. Identifiers: MedGen C0950123, MeSH D030342.

Submissions (2):

Ambry Genetics
Classification: Uncertain significance for Inborn genetic diseases. Last evaluated: 2025-10-07. Review status: criteria provided, single submitter. Criteria: Ambry Variant Classification Scheme 2023. Collection method: clinical testing. Allele origin: germline.

GeneDx
Classification: Uncertain significance. Last evaluated: 2024-04-21. Review status: criteria provided, single submitter. Criteria: GeneDx Variant Classification Process June 2021. Collection method: clinical testing. Allele origin: germline. Affected: yes.
Comment: Has not been previously published as pathogenic or benign to our knowledge; Not observed at significant frequency in large population cohorts (gnomAD); In silico analysis indicates that this missense variant does not alter protein structure/function; This variant is associated with the following publications: (PMID: 27535533)